The following is an entry in ClinVar:

ClinVar aggregate classification (germline): Conflicting classifications of pathogenicity. Review status: criteria provided, conflicting classifications (1 of 4 stars). 4 submissions from 4 submitters: Uncertain significance (2); Likely benign (1). 1 of the submissions does not count toward it. Last evaluated 2026-01-19.

Conditions:
UCP2-related disorder. Also called: UCP2-related condition.

Allele frequency attached by ClinVar (database versions not stated): gnomAD exomes 0.00022 and 0.00035; ExAC 0.00034; gnomAD 0.00121; 1000 Genomes Project 30x 0.00125; TOPMed 0.00135; ESP Exome Variant Server 0.00146; 1000 Genomes Project 0.00160.
gnomAD v4.1: 533 of 1,614,136 alleles (0.033%); highest among the groups gnomAD compares: African/African-American, 0.38%; no homozygotes.

Submissions (4):

Labcorp Genetics (formerly Invitae), Labcorp
Classification: Likely benign. Last evaluated: 2026-01-19. Review status: criteria provided, single submitter. Criteria: Invitae Variant Classification Sherloc (09022015). Collection method: clinical testing. Allele origin: germline.

Women's Health and Genetics/Laboratory Corporation of America, LabCorp
Classification: Uncertain significance. Last evaluated: 2023-11-08. Review status: criteria provided, single submitter. Criteria: LabCorp Variant Classification Summary - May 2015. Collection method: clinical testing. Allele origin: germline.
Comment: Variant summary: UCP2 c.169G>A (p.Ala57Thr) results in a non-conservative amino acid change in the encoded protein sequence. Four of five in-silico tools predict a benign effect of the variant on protein function. The variant allele was found at a frequency of 0.00035 in 251218 control chromosomes (i.e., 87 heterozygotes and 0 homozygotes; gnomAD v2 Exomes dataset). The available data on variant occurrences in the general population are insufficient to allow any conclusion about variant significance. To our knowledge, no occurrence of c.169G>A in individuals affected with UCP2-Related Disorders and no experimental evidence demonstrating its impact on protein function have been reported. Two submitters have reported clinical-significance assessments for this variant to ClinVar after 2014 without evidence for independent evaluation. One submitter classified the variant as likely benign, and one submitter classified the variant as uncertain significance. Based on the evidence outlined above and due to ambiguity related to the exact inheritance pattern (dominant or recessive) and molecular mechanism of disease, the variant was classified as uncertain significance.

Genetic Services Laboratory, University of Chicago
Classification: Uncertain significance. Last evaluated: 2019-04-26. Review status: criteria provided, single submitter. Criteria: ACMG Guidelines, 2015. Collection method: clinical testing. Allele origin: germline. Affected: no.

PreventionGenetics, part of Exact Sciences
Classification: Likely benign for UCP2-related condition. Last evaluated: 2024-01-09. Review status: no assertion criteria provided. Collection method: clinical testing. Allele origin: germline. Not counted in ClinVar's aggregate classification.
Comment: This variant is classified as likely benign based on ACMG/AMP sequence variant interpretation guidelines (Richards et al. 2015 PMID: 25741868, with internal and published modifications).

NM_003355.3(UCP2):c.169G>A (p.Ala57Thr)

Gene: UCP2 (uncoupling protein 2; minus strand). Cytogenetic location: 11q13.4.
Variant type: single nucleotide variant.
Coding change: c.169G>A on transcript NM_003355.3 (MANE Select); coding-DNA position 169, G replaced by A.
Protein change: p.Ala57Thr; replaces alanine 57 with threonine.
Molecular consequence: missense variant.
Genome position (GRCh38, 1-based): chr11:73,978,054, C>T on the plus strand (G>A on the coding strand, the complement: UCP2 is on the minus strand). VCF-style: chr11-73978054-C-T. GRCh37 (hg19) VCF-style: chr11-73689099-C-T.
Other names: c.169G>A, p.Ala57Thr (NM_001381943.1, NM_001381944.1, NM_001381945.1 and 4 more transcripts); short protein forms A57T.
Identifiers: ClinVar variation 731024 (VCV000731024.16), dbSNP rs145662569, ClinGen allele CA6181222.
Genomic context (GRCh38, chr11:73,978,054, plus strand): 5'-TTCGGGGGCCCTCAGTACGCACCATGGTCAGAATGGTGCCCATCACACCGCGGTACTGGG[C>T]GCTGGCTGTAGCGCGCACTGGCCCCTGACTTTCTCCTTGGATCTGCAAGGCCAAGACAGG-3'
Protein context (NP_003346.2, residues 47-67): SQGPVRATAS[Ala57Thr]QYRGVMGTIL